The following is an entry in ClinVar:

NM_205850.3(SLC24A5):c.663C>A (p.Asn221Lys)

Genes: MYEF2 (myelin expression factor 2; minus strand), SLC24A5 (solute carrier family 24 member 5; plus strand). Cytogenetic location: 15q21.1.
Variant type: single nucleotide variant.
Coding change: c.663C>A on transcript NM_205850.3 (MANE Select); coding-DNA position 663, C replaced by A.
Protein change: p.Asn221Lys; replaces asparagine 221 with lysine.
Molecular consequence: missense variant. On other transcripts: 3 prime UTR variant (2).
Genome position (GRCh38, 1-based): chr15:48,136,755, C>A. VCF-style: chr15-48136755-C-A. GRCh37 (hg19) VCF-style: chr15-48428952-C-A.
Other names: c.*6153G>T (NM_001301210.2, NM_016132.5); short protein forms N221K.
Identifiers: ClinVar variation 2722650 (VCV002722650.2), dbSNP rs775238392, ClinGen allele CA7545941.

ClinVar aggregate classification (germline): Uncertain significance (1 of 4 stars; one submission).

Allele frequency attached by ClinVar (database versions not stated): ExAC 0.00001; gnomAD 0.00001; gnomAD exomes 0.00002; TOPMed 0.00003.
gnomAD v4.1: 13 of 1,613,240 alleles (0.00081%); highest among the groups gnomAD compares: Admixed American, 0.017%; no homozygotes.

Submission:

Labcorp Genetics (formerly Invitae), Labcorp
Classification: Uncertain significance. Last evaluated: 2024-10-29. Review status: criteria provided, single submitter. Criteria: Invitae Variant Classification Sherloc (09022015). Collection method: clinical testing. Allele origin: germline.
Comment: This sequence change replaces asparagine, which is neutral and polar, with lysine, which is basic and polar, at codon 221 of the SLC24A5 protein (p.Asn221Lys). This variant is present in population databases (rs775238392, gnomAD 0.02%). This variant has not been reported in the literature in individuals affected with SLC24A5-related conditions. ClinVar contains an entry for this variant (Variation ID: 2722650). Invitae Evidence Modeling of protein sequence and biophysical properties (such as structural, functional, and spatial information, amino acid conservation, physicochemical variation, residue mobility, and thermodynamic stability) indicates that this missense variant is not expected to disrupt SLC24A5 protein function with a negative predictive value of 80%. In summary, the available evidence is currently insufficient to determine the role of this variant in disease. Therefore, it has been classified as a Variant of Uncertain Significance.